The following is an entry in ClinVar:

NM_003738.5(PTCH2):c.3140G>A (p.Arg1047Gln)

Gene: PTCH2 (patched 2; minus strand). Cytogenetic location: 1p34.1.
Variant type: single nucleotide variant.
Coding change: c.3140G>A on transcript NM_003738.5 (MANE Select); coding-DNA position 3140, G replaced by A.
Protein change: p.Arg1047Gln; replaces arginine 1047 with glutamine.
Molecular consequence: missense variant.
Genome position (GRCh38, 1-based): chr1:44,823,360, C>T on the plus strand (G>A on the coding strand, the complement: PTCH2 is on the minus strand). VCF-style: chr1-44823360-C-T. GRCh37 (hg19) VCF-style: chr1-45289032-C-T.
Other names: c.3140G>A, p.Arg1047Gln (NM_001166292.2); short protein forms R1047Q.
Identifiers: ClinVar variation 2903885 (VCV002903885.3), dbSNP rs750281691, ClinGen allele CA822786.

ClinVar aggregate classification (germline): Uncertain significance (1 of 4 stars; one submission).

Conditions:
Gorlin syndrome. Also called: Basal cell nevus syndrome; Nevoid Basal Cell Carcinoma Syndrome. Identifiers: Orphanet 377, MedGen C0004779, MONDO:0007187.

Allele frequency attached by ClinVar (database versions not stated): ExAC 0.00001; gnomAD 0.00001; gnomAD exomes 0.00001; TOPMed 0.00003.
gnomAD v4.1: 14 of 1,614,088 alleles (0.00087%); highest among the groups gnomAD compares: Admixed American, 0.0033%; no homozygotes.

Submission:

Labcorp Genetics (formerly Invitae), Labcorp
Classification: Uncertain significance for Gorlin syndrome. Last evaluated: 2023-09-25. Review status: criteria provided, single submitter. Criteria: Invitae Variant Classification Sherloc (09022015). Collection method: clinical testing. Allele origin: germline.
Comment: In summary, the available evidence is currently insufficient to determine the role of this variant in disease. Therefore, it has been classified as a Variant of Uncertain Significance. Advanced modeling of protein sequence and biophysical properties (such as structural, functional, and spatial information, amino acid conservation, physicochemical variation, residue mobility, and thermodynamic stability) performed at Invitae indicates that this missense variant is not expected to disrupt PTCH2 protein function. This variant has not been reported in the literature in individuals affected with PTCH2-related conditions. This variant is present in population databases (rs750281691, gnomAD 0.003%). This sequence change replaces arginine, which is basic and polar, with glutamine, which is neutral and polar, at codon 1047 of the PTCH2 protein (p.Arg1047Gln).